The following is an entry in ClinVar:

NM_002202.3(ISL1):c.833A>G (p.Gln278Arg)

Gene: ISL1 (ISL LIM homeobox 1; plus strand). Cytogenetic location: 5q11.1.
Variant type: single nucleotide variant.
Coding change: c.833A>G on transcript NM_002202.3 (MANE Select); coding-DNA position 833, A replaced by G.
Protein change: p.Gln278Arg; replaces glutamine 278 with arginine.
Molecular consequence: missense variant.
Genome position (GRCh38, 1-based): chr5:51,391,341, A>G. VCF-style: chr5-51391341-A-G. GRCh37 (hg19) VCF-style: chr5-50687175-A-G.
Other names: short protein forms Q278R.
Identifiers: ClinVar variation 2292211 (VCV002292211.4), dbSNP rs746421159, ClinGen allele CA3261088.

ClinVar aggregate classification (germline): Uncertain significance. Review status: criteria provided, single submitter (1 of 4 stars). 2 submissions from 2 submitters: Uncertain significance (1). 1 of the submissions does not count toward it. Last evaluated 2024-10-29.

Conditions:
ISL1-related disorder. Also called: ISL1-related condition.

Allele frequency attached by ClinVar (database versions not stated): gnomAD exomes 0.00001; gnomAD 0.00002; TOPMed 0.00002; ExAC 0.00008.
gnomAD v4.1: 27 of 1,613,930 alleles (0.0017%); highest among the groups gnomAD compares: East Asian, 0.053%; no homozygotes.

Submissions (2):

Ambry Genetics
Classification: Uncertain significance. Last evaluated: 2024-10-29. Review status: criteria provided, single submitter. Criteria: Ambry Variant Classification Scheme 2023. Collection method: clinical testing. Allele origin: germline.

PreventionGenetics, part of Exact Sciences
Classification: Uncertain significance for ISL1-related condition. Last evaluated: 2024-08-13. Review status: no assertion criteria provided. Collection method: clinical testing. Allele origin: germline. Not counted in ClinVar's aggregate classification.
Comment: The ISL1 c.833A>G variant is predicted to result in the amino acid substitution p.Gln278Arg. To our knowledge, this variant has not been reported in the literature. This variant is reported in 0.11% of alleles in individuals of East Asian descent in gnomAD. Although we suspect that this variant may be benign, at this time, the clinical significance of this variant is uncertain due to the absence of conclusive functional and genetic evidence.